The following is an entry in ClinVar:

NM_024529.5(CDC73):c.880G>A (p.Asp294Asn)

Gene: CDC73 (cell division cycle 73; plus strand). Cytogenetic location: 1q31.2.
Variant type: single nucleotide variant.
Coding change: c.880G>A on transcript NM_024529.5 (MANE Select); coding-DNA position 880, G replaced by A.
Protein change: p.Asp294Asn; replaces aspartic acid 294 with asparagine.
Molecular consequence: missense variant.
Genome position (GRCh38, 1-based): chr1:193,150,355, G>A. VCF-style: chr1-193150355-G-A. GRCh37 (hg19) VCF-style: chr1-193119485-G-A.
Other names: short protein forms D294N.
Identifiers: ClinVar variation 3829884 (VCV003829884.1).

ClinVar aggregate classification (germline): Uncertain significance (1 of 4 stars; one submission).

Conditions:
Hereditary cancer-predisposing syndrome. Also called: Hereditary neoplastic syndrome; Neoplastic Syndromes, Hereditary; Tumor predisposition; Hereditary Cancer Syndrome. Identifiers: Orphanet 140162, MedGen C0027672, MeSH D009386, MONDO:0015356.

Submission:

Ambry Genetics
Classification: Uncertain significance for Hereditary cancer-predisposing syndrome. Last evaluated: 2025-02-06. Review status: criteria provided, single submitter. Criteria: Ambry Variant Classification Scheme 2023. Collection method: clinical testing. Allele origin: germline.
Comment: The p.D294N variant (also known as c.880G>A), located in coding exon 9 of the CDC73 gene, results from a G to A substitution at nucleotide position 880. The aspartic acid at codon 294 is replaced by asparagine, an amino acid with highly similar properties. This amino acid position is conserved. In addition, this alteration is predicted to be tolerated by in silico analysis. Based on the available evidence, the clinical significance of this variant remains unclear.